The following is an entry in ClinVar:

ClinVar aggregate classification (germline): Uncertain significance. Review status: criteria provided, multiple submitters, no conflicts (2 of 4 stars). 2 submissions from 2 submitters: Uncertain significance (2). Last evaluated 2025-09-16.

Conditions:
Distal myopathy with posterior leg and anterior hand involvement. Also called: WILLIAMS DISTAL MYOPATHY. Identifiers: Orphanet 63273, MedGen C3279722, MONDO:0013550, OMIM 614065.
Myofibrillar myopathy 5. Also called: FILAMINOPATHY, AUTOSOMAL DOMINANT; Filaminopathy (type). Identifiers: Orphanet 171445, MedGen C1836050, MONDO:0012289, OMIM 609524.
Hypertrophic cardiomyopathy 26. Also called: Cardiomyopathy, familial hypertrophic, 26. Identifiers: Orphanet 75249, MedGen C4310749, MONDO:0014883, OMIM 617047.
Dilated Cardiomyopathy, Dominant.
Cardiovascular phenotype. Identifiers: MedGen CN230736.

Allele frequency attached by ClinVar (database versions not stated): gnomAD exomes below 0.00001 and 0.00001; gnomAD 0.00001 and 0.00002; TOPMed 0.00001.
gnomAD v4.1: 10 of 1,598,960 alleles (0.00063%); highest among the groups gnomAD compares: South Asian, 0.0022%; no homozygotes.

Submissions (2):

Ambry Genetics
Classification: Uncertain significance for Cardiovascular phenotype. Last evaluated: 2025-09-16. Review status: criteria provided, single submitter. Criteria: Ambry Variant Classification Scheme 2023. Collection method: clinical testing. Allele origin: germline.
Comment: The p.E600K variant (also known as c.1798G>A), located in coding exon 11 of the FLNC gene, results from a G to A substitution at nucleotide position 1798. The glutamic acid at codon 600 is replaced by lysine, an amino acid with similar properties. This amino acid position is well conserved in available vertebrate species. In addition, this alteration is predicted to be deleterious by in silico analysis. Based on the available evidence, the clinical significance of this variant remains unclear.

Labcorp Genetics (formerly Invitae), Labcorp
Classification: Uncertain significance for Distal myopathy with posterior leg and anterior hand involvement; Myofibrillar myopathy 5; Hypertrophic cardiomyopathy 26. Last evaluated: 2024-12-12. Review status: criteria provided, single submitter. Criteria: Invitae Variant Classification Sherloc (09022015). Collection method: clinical testing. Allele origin: germline.
Comment: This sequence change replaces glutamic acid, which is acidic and polar, with lysine, which is basic and polar, at codon 600 of the FLNC protein (p.Glu600Lys). The frequency data for this variant in the population databases is considered unreliable, as metrics indicate poor data quality at this position in the gnomAD database. This variant has not been reported in the literature in individuals affected with FLNC-related conditions. ClinVar contains an entry for this variant (Variation ID: 1399246). Invitae Evidence Modeling of protein sequence and biophysical properties (such as structural, functional, and spatial information, amino acid conservation, physicochemical variation, residue mobility, and thermodynamic stability) has been performed for this missense variant. However, the output from this modeling did not meet the statistical confidence thresholds required to predict the impact of this variant on FLNC protein function. In summary, the available evidence is currently insufficient to determine the role of this variant in disease. Therefore, it has been classified as a Variant of Uncertain Significance.

NM_001458.5(FLNC):c.1798G>A (p.Glu600Lys)

Gene: FLNC (filamin C; plus strand). Cytogenetic location: 7q32.1.
Variant type: single nucleotide variant.
Coding change: c.1798G>A on transcript NM_001458.5 (MANE Select); coding-DNA position 1798, G replaced by A.
Protein change: p.Glu600Lys; replaces glutamic acid 600 with lysine.
Molecular consequence: missense variant.
Genome position (GRCh38, 1-based): chr7:128,840,955, G>A. VCF-style: chr7-128840955-G-A. GRCh37 (hg19) VCF-style: chr7-128481009-G-A.
Other names: c.1798G>A, p.Glu600Lys (NM_001127487.2); c.1798G>A (NM_001458.4); short protein forms E600K.
Identifiers: ClinVar variation 1399246 (VCV001399246.7), dbSNP rs760911646, ClinGen allele CA4474477.
Genomic context (GRCh38, chr7:128,840,955, plus strand): 5'-GGTTTGGAGACTGGCCAGGTGGGCAAGTCAGCCGATTTTGTGGTGGAAGCCATTGGCACC[G>A]AGGTGGGGACACTGGGTAAGTGGCTGGGGGGCAGGAGGAGGGAGTGCTGCGGGGGAGGGC-3'
Protein context (NP_001449.3, residues 590-610): ADFVVEAIGT[Glu600Lys]VGTLGFSIEG